The following is an entry in ClinVar:

NM_000548.5(TSC2):c.1257dup (p.Glu420Ter)

Gene: TSC2 (TSC complex subunit 2; plus strand). Cytogenetic location: 16p13.3.
Variant type: Duplication.
Coding change: c.1257dup on transcript NM_000548.5 (MANE Select); coding-DNA position 1257, one base duplicated (T; older notation c.1257dupT).
Protein change: p.Glu420Ter; replaces glutamic acid 420 with a stop codon.
Molecular consequence: nonsense. On other transcripts: 5 prime UTR variant (10), non-coding transcript variant (5).
Genome position (GRCh38, 1-based): chr16:2,062,008, T duplicated. VCF-style (leftmost placement, unchanged base first): chr16-2062007-C-CT. GRCh37 (hg19) VCF-style: chr16-2112008-C-CT.
Other names: c.1110dup, p.Glu371Ter (NM_001406675.1, NM_001406676.1, NM_001406679.1 and 1 more transcripts); c.1200dup, p.Glu401Ter (NM_001406677.1); c.1146dup, p.Glu383Ter (NM_001406678.1, NM_001318827.2, NM_001406670.1); c.657dup, p.Glu220Ter (NM_001406680.1, NM_001406682.1, NM_001406683.1 and 6 more transcripts); c.795dup, p.Glu266Ter (NM_001406681.1); c.1257dup, p.Glu420Ter (NM_001077183.3, NM_001114382.3, NM_001363528.2 and 6 more transcripts); c.1290dup, p.Glu431Ter (NM_001318832.2); c.1347dup, p.Glu450Ter (NM_001406667.1, NM_001406668.1); and 4 more; short protein forms E220*, E431*, E371*, E383*, E401*, E450*, E266*, E416*.
Identifiers: ClinVar variation 2764913 (VCV002764913.3), dbSNP rs2548539006, ClinGen allele CA2697549626.

ClinVar aggregate classification (germline): Pathogenic (1 of 4 stars; one submission).

Conditions:
Tuberous sclerosis 2 (TSC2). Identifiers: Orphanet 805, MedGen C1860707, MONDO:0013199, OMIM 613254.

Submission:

Labcorp Genetics (formerly Invitae), Labcorp
Classification: Pathogenic for Tuberous sclerosis 2. Last evaluated: 2023-06-04. Review status: criteria provided, single submitter. Criteria: Invitae Variant Classification Sherloc (09022015). Collection method: clinical testing. Allele origin: germline.
Comment: For these reasons, this variant has been classified as Pathogenic. This premature translational stop signal has been observed in individual(s) with TSC2-related conditions (PMID: 29655203). This variant is not present in population databases (gnomAD no frequency). This sequence change creates a premature translational stop signal (p.Glu420*) in the TSC2 gene. It is expected to result in an absent or disrupted protein product. Loss-of-function variants in TSC2 are known to be pathogenic (PMID: 10205261, 17304050).

Literature cited by the submitters: PubMed 29655203; PubMed 10205261; PubMed 17304050.